The following is an entry in ClinVar:

ClinVar aggregate classification (germline): Uncertain significance. Review status: criteria provided, single submitter (1 of 4 stars). 2 submissions from 2 submitters: Uncertain significance (1). 1 of the submissions does not count toward it. Last evaluated 2022-02-05.

Conditions:
Cohen syndrome (COH1). Also called: PEPPER SYNDROME; Cutis verticis gyrata, retinitis pigmentosa, and sensorineural deafness. Identifiers: Orphanet 193, MedGen C0265223, MONDO:0008999, OMIM 216550.

Allele frequency attached by ClinVar (database versions not stated): gnomAD 0.00001; gnomAD exomes 0.00001; TOPMed 0.00001; ExAC 0.00002.
gnomAD v4.1: 8 of 1,613,984 alleles (0.0005%); highest among the groups gnomAD compares: South Asian, 0.0011%; no homozygotes.

Submissions (2):

Labcorp Genetics (formerly Invitae), Labcorp
Classification: Uncertain significance for Cohen syndrome. Last evaluated: 2022-02-05. Review status: criteria provided, single submitter. Criteria: Invitae Variant Classification Sherloc (09022015). Collection method: clinical testing. Allele origin: germline.
Comment: This sequence change replaces methionine, which is neutral and non-polar, with valine, which is neutral and non-polar, at codon 706 of the VPS13B protein (p.Met706Val). This variant is present in population databases (rs751897986, gnomAD 0.003%). This variant has not been reported in the literature in individuals affected with VPS13B-related conditions. ClinVar contains an entry for this variant (Variation ID: 1038104). Algorithms developed to predict the effect of missense changes on protein structure and function are either unavailable or do not agree on the potential impact of this missense change (SIFT: "Not Available"; PolyPhen-2: "Benign"; Align-GVGD: "Not Available"). In summary, the available evidence is currently insufficient to determine the role of this variant in disease. Therefore, it has been classified as a Variant of Uncertain Significance.

Natera, Inc.
Classification: Uncertain significance for Cohen syndrome. Last evaluated: 2020-07-15. Review status: no assertion criteria provided. Collection method: clinical testing. Allele origin: germline. Not counted in ClinVar's aggregate classification.

NM_152564.5(VPS13B):c.2116A>G (p.Met706Val)

Gene: VPS13B (vacuolar protein sorting 13 homolog B; plus strand). Cytogenetic location: 8q22.2.
Variant type: single nucleotide variant.
Coding change: c.2116A>G on transcript NM_152564.5 (MANE Select); coding-DNA position 2116, A replaced by G.
Protein change: p.Met706Val; replaces methionine 706 with valine.
Molecular consequence: missense variant.
Genome position (GRCh38, 1-based): chr8:99,156,651, A>G. VCF-style: chr8-99156651-A-G. GRCh37 (hg19) VCF-style: chr8-100168879-A-G.
Other names: c.2116A>G, p.Met706Val (NM_015243.3, NM_017890.5); short protein forms M706V.
Identifiers: ClinVar variation 1038104 (VCV001038104.9), dbSNP rs751897986, ClinGen allele CA4822831.